The following is an entry in ClinVar:

ClinVar aggregate classification (germline): Uncertain significance. Review status: criteria provided, multiple submitters, no conflicts (2 of 4 stars). 2 submissions from 2 submitters: Uncertain significance (2). Last evaluated 2025-09-10.

Conditions:
Inborn genetic diseases. Identifiers: MedGen C0950123, MeSH D030342.

Allele frequency attached by ClinVar (database versions not stated): TOPMed 0.00002; gnomAD 0.00003 and 0.00004.
gnomAD v4.1: 38 of 1,613,878 alleles (0.0024%); highest among the groups gnomAD compares: Admixed American, 0.012%; 1 homozygote.

Submissions (2):

Ambry Genetics
Classification: Uncertain significance for Inborn genetic diseases. Last evaluated: 2025-09-10. Review status: criteria provided, single submitter. Criteria: Ambry Variant Classification Scheme 2023. Collection method: clinical testing. Allele origin: germline.

Labcorp Genetics (formerly Invitae), Labcorp
Classification: Uncertain significance. Last evaluated: 2022-07-06. Review status: criteria provided, single submitter. Criteria: Invitae Variant Classification Sherloc (09022015). Collection method: clinical testing. Allele origin: germline.
Comment: In summary, the available evidence is currently insufficient to determine the role of this variant in disease. Therefore, it has been classified as a Variant of Uncertain Significance. Algorithms developed to predict the effect of missense changes on protein structure and function are either unavailable or do not agree on the potential impact of this missense change (SIFT: "Deleterious"; PolyPhen-2: "Probably Damaging"; Align-GVGD: "Class C0"). ClinVar contains an entry for this variant (Variation ID: 1421974). This variant has not been reported in the literature in individuals affected with PARS2-related conditions. This variant is present in population databases (rs760203526, gnomAD 0.03%), including at least one homozygous and/or hemizygous individual. This sequence change replaces arginine, which is basic and polar, with tryptophan, which is neutral and slightly polar, at codon 72 of the PARS2 protein (p.Arg72Trp).

NM_152268.4(PARS2):c.214C>T (p.Arg72Trp)

Gene: PARS2 (prolyl-tRNA synthetase 2, mitochondrial; minus strand). Cytogenetic location: 1p32.3.
Variant type: single nucleotide variant.
Coding change: c.214C>T on transcript NM_152268.4 (MANE Select); coding-DNA position 214, C replaced by T.
Protein change: p.Arg72Trp; replaces arginine 72 with tryptophan.
Molecular consequence: missense variant.
Genome position (GRCh38, 1-based): chr1:54,758,948, G>A on the plus strand (C>T on the coding strand, the complement: PARS2 is on the minus strand). VCF-style: chr1-54758948-G-A. GRCh37 (hg19) VCF-style: chr1-55224621-G-A.
Other names: c.214C>T (NM_152268.3); short protein forms R72W.
Identifiers: ClinVar variation 1421974 (VCV001421974.5), dbSNP rs760203526, ClinGen allele CA869529.